The following is an entry in ClinVar:

ClinVar aggregate classification (germline): Conflicting classifications of pathogenicity. Review status: criteria provided, conflicting classifications (1 of 4 stars). 2 submissions from 2 submitters: Uncertain significance (1); Likely benign (1). Last evaluated 2025-01-27.

Conditions:
Hereditary cancer-predisposing syndrome. Also called: Tumor predisposition; Hereditary Cancer Syndrome; Neoplastic Syndromes, Hereditary; Hereditary neoplastic syndrome. Identifiers: Orphanet 140162, MedGen C0027672, MeSH D009386, MONDO:0015356.

Submissions (2):

Ambry Genetics
Classification: Uncertain significance for Hereditary cancer-predisposing syndrome. Last evaluated: 2025-01-27. Review status: criteria provided, single submitter. Criteria: Ambry Variant Classification Scheme 2023. Collection method: clinical testing. Allele origin: germline.
Comment: The p.E1066K variant (also known as c.3196G>A), located in coding exon 9 of the BRCA1 gene, results from a G to A substitution at nucleotide position 3196. The glutamic acid at codon 1066 is replaced by lysine, an amino acid with similar properties. This amino acid position is well conserved in available vertebrate species. In addition, the in silico prediction for this alteration is inconclusive. Since supporting evidence is limited at this time, the clinical significance of this alteration remains unclear.

University of Washington Department of Laboratory Medicine, University of Washington
Classification: Likely benign for Hereditary cancer-predisposing syndrome. Last evaluated: 2023-03-23. Review status: criteria provided, single submitter. Criteria: Dines et al. (Genet Med. 2020). Collection method: curation. Allele origin: germline.
Comment: Missense variant in a coldspot region where missense variants are very unlikely to be pathogenic (PMID:31911673).

BRCA1 coldspot (exon 11 using historical exon numbering). Reclassification based on statistical prior probability

NM_007294.4(BRCA1):c.3196G>A (p.Glu1066Lys)

Gene: BRCA1 (BRCA1 DNA repair associated; minus strand). Cytogenetic location: 17q21.31.
Variant type: single nucleotide variant.
Coding change: c.3196G>A on transcript NM_007294.4 (MANE Select); coding-DNA position 3196, G replaced by A.
Protein change: p.Glu1066Lys; replaces glutamic acid 1066 with lysine.
Molecular consequence: missense variant. On other transcripts: intron variant (137).
Genome position (GRCh38, 1-based): chr17:43,092,335, C>T on the plus strand (G>A on the coding strand, the complement: BRCA1 is on the minus strand). VCF-style: chr17-43092335-C-T. GRCh37 (hg19) VCF-style: chr17-41244352-C-T.
Other names: c.2983G>A, p.Glu995Lys (NM_001407571.1, NM_001407853.1, NM_001407894.1 and 9 more transcripts); c.3196G>A, p.Glu1066Lys (NM_001407581.1, NM_001407582.1, NM_001407583.1 and 30 more transcripts); c.3193G>A, p.Glu1065Lys (NM_001407587.1, NM_001407590.1, NM_001407591.1 and 22 more transcripts); c.3187G>A, p.Glu1063Lys (NM_001407646.1, NM_001407647.1); c.3073G>A, p.Glu1025Lys (NM_001407648.1, NM_001407664.1, NM_001407665.1 and 19 more transcripts); c.3070G>A, p.Glu1024Lys (NM_001407649.1, NM_001407670.1, NM_001407671.1 and 11 more transcripts); c.3118G>A, p.Glu1040Lys (NM_001407653.1, NM_001407654.1, NM_001407655.1 and 4 more transcripts); c.3115G>A, p.Glu1039Lys (NM_001407659.1, NM_001407660.1, NM_001407661.1 and 1 more transcripts); and 41 more; short protein forms E1019K, E1066K, E1025K, E1063K, E1065K, E954K, E977K, E995K.
Identifiers: ClinVar variation 823145 (VCV000823145.8), dbSNP rs1555588220, ClinGen allele CA10595593.
Genomic context (GRCh38, chr17:43,092,335, plus strand): 5'-ATCTAAGCATAGCATTCAATTTTGGCCCTCTGTTTCTACCTAGTTCTGCTTGAATGTTTT[C>T]ATCACTGGAACCTATTTCATTAATACTGGAGCCCACTTCATTAGTACTGGAACCTACTTC-3'
Protein context (NP_009225.1, residues 1056-1076): SSINEIGSSD[Glu1066Lys]NIQAELGRNR